The following is an entry in ClinVar:

ClinVar aggregate classification (germline): Uncertain significance (1 of 4 stars; one submission).

Conditions:
TP63-Related Spectrum Disorders.

Allele frequency attached by ClinVar (database versions not stated): ExAC 0.00001; gnomAD 0.00003; TOPMed 0.00003; ESP Exome Variant Server 0.00008.
gnomAD v4.1: 5 of 1,606,320 alleles (0.00031%); highest among the groups gnomAD compares: African/African-American, 0.004%; no homozygotes.

Submission:

Labcorp Genetics (formerly Invitae), Labcorp
Classification: Uncertain significance. Last evaluated: 2023-08-07. Review status: criteria provided, single submitter. Criteria: Invitae Variant Classification Sherloc (09022015). Collection method: clinical testing. Allele origin: germline.
Comment: In summary, the available evidence is currently insufficient to determine the role of this variant in disease. Therefore, it has been classified as a Variant of Uncertain Significance. Algorithms developed to predict the effect of sequence changes on RNA splicing suggest that this variant may disrupt the consensus splice site. ClinVar contains an entry for this variant (Variation ID: 1966995). This variant has not been reported in the literature in individuals affected with TP63-related conditions. This variant is present in population databases (rs377602490, gnomAD 0.008%). This sequence change falls in intron 7 of the TP63 gene. It does not directly change the encoded amino acid sequence of the TP63 protein.

NM_003722.5(TP63):c.992+14G>T

Gene: TP63 (tumor protein p63; plus strand). Cytogenetic location: 3q28.
Variant type: single nucleotide variant.
Coding change: c.992+14G>T on transcript NM_003722.5 (MANE Select); 14 bases into the intron after coding-DNA position 992, G replaced by T.
Molecular consequence: intron variant.
Genome position (GRCh38, 1-based): chr3:189,867,956, G>T. VCF-style: chr3-189867956-G-T. GRCh37 (hg19) VCF-style: chr3-189585745-G-T.
Other names: c.992+14G>T (NM_001114979.2, NM_001114978.2, NM_001329144.2 and 1 more transcripts); c.710+14G>T (NM_001114980.2, NM_001114981.2, NM_001329145.2 and 2 more transcripts); c.455+14G>T (NM_001329146.2, NM_001329150.2); c.986+14G>T (NM_001329964.2).
Identifiers: ClinVar variation 1966995 (VCV001966995.4), dbSNP rs377602490, ClinGen allele CA2752306.